The following is an entry in ClinVar:

ClinVar aggregate classification (germline): Uncertain significance. Review status: criteria provided, multiple submitters, no conflicts (2 of 4 stars). 2 submissions from 2 submitters: Uncertain significance (2). Last evaluated 2024-12-16.

Conditions:
Cardiovascular phenotype. Identifiers: MedGen CN230736.

Submissions (2):

Ambry Genetics
Classification: Uncertain significance for Cardiovascular phenotype. Last evaluated: 2024-12-16. Review status: criteria provided, single submitter. Criteria: Ambry Variant Classification Scheme 2023. Collection method: clinical testing. Allele origin: germline.
Comment: The c.64828_64829ins27 variant (also known as p.E21610delins10), located in coding exon 165 of the TTN gene, results from an in-frame insertion of 27 nucleotides at nucleotide positions 64828 to 64829. This results in the substitution of the glutamic acid residue for an insertion of 10 extra residues at codon 21610. Based on data from gnomAD, the insertion has an overall frequency of 0.0008037% (2/248856) total alleles studied. The highest observed frequency was 0.01656% (1/6040) of other alleles. This amino acid position is well conserved in available vertebrate species. In addition, this alteration is predicted to be deleterious by in silico analysis (Choi Y et al. PLoS ONE. 2012; 7(10):e46688). Since supporting evidence is limited at this time, the clinical significance of this alteration remains unclear.

Revvity Omics, Revvity
Classification: Uncertain significance. Last evaluated: 2023-12-26. Review status: criteria provided, single submitter. Criteria: ACMG Guidelines, 2015. Collection method: clinical testing. Allele origin: germline.

NM_001267550.2(TTN):c.92023_92024insTTTATCCTCAATGGATAAAATGGATAA (p.Glu30675delinsValTyrProGlnTrpIleLysTrpIleLys)

Genes: TTN-AS1 (TTN antisense RNA 1; plus strand), TTN (titin; minus strand). Cytogenetic location: 2q31.2.
Variant type: Insertion.
Coding change: c.92023_92024insTTTATCCTCAATGGATAAAATGGATAA on transcript NM_001267550.2 (MANE Select); coding-DNA positions 92023 to 92024, TTTATCCTCAATGGATAAAATGGATAA inserted.
Protein change: p.Glu30675delinsValTyrProGlnTrpIleLysTrpIleLys.
Molecular consequence: inframe indel.
Genome position: GRCh38 VCF-style: chr2-178549698-T-TTTATCCATTTTATCCATTGAGGATAAA. GRCh37 (hg19) VCF-style: chr2-179414425-T-TTTATCCATTTTATCCATTGAGGATAAA.
Other names: c.87100_87101insTTTATCCTCAATGGATAAAATGGATAA, p.Glu29034delinsValTyrProGlnTrpIleLysTrpIleLys (NM_001256850.1); c.64828_64829insTTTATCCTCAATGGATAAAATGGATAA, p.Glu21610delinsValTyrProGlnTrpIleLysTrpIleLys (NM_003319.4); c.84319_84320insTTTATCCTCAATGGATAAAATGGATAA, p.Glu28107delinsValTyrProGlnTrpIleLysTrpIleLys (NM_133378.4); c.65203_65204insTTTATCCTCAATGGATAAAATGGATAA, p.Glu21735delinsValTyrProGlnTrpIleLysTrpIleLys (NM_133432.3); c.65404_65405insTTTATCCTCAATGGATAAAATGGATAA, p.Glu21802delinsValTyrProGlnTrpIleLysTrpIleLys (NM_133437.4).
Identifiers: ClinVar variation 3812200 (VCV003812200.2).